The following is an entry in ClinVar:

Conditions:
Arteriohepatic dysplasia. Also called: Alagille Syndrome. Identifiers: Orphanet 52, MedGen C0085280, MeSH D016738, MONDO:0007318.

Submission:

Gilbert/Spinner Lab, Children's Hospital of Philadelphia
No classification provided (evidence only). Condition: Alagille syndrome. Review status: no classification provided. Collection method: research. Allele origin: not applicable. Functional consequence: functionally_abnormal.
ClinVar note: "not provided" was previously submitted as the classification for the variant. However, the classification appeared to be based only on an observation of functional data so it was converted to no classification on 2025-07-30.

NM_000214.3(JAG1):c.67G>C (p.Ala23Pro)

Gene: JAG1 (jagged canonical Notch ligand 1; minus strand). Cytogenetic location: 20p12.2.
Variant type: single nucleotide variant.
Coding change: c.67G>C on transcript NM_000214.3 (MANE Select); coding-DNA position 67, G replaced by C.
Protein change: p.Ala23Pro; replaces alanine 23 with proline.
Molecular consequence: missense variant.
Genome position (GRCh38, 1-based): chr20:10,673,464, C>G on the plus strand (G>C on the coding strand, the complement: JAG1 is on the minus strand). VCF-style: chr20-10673464-C-G. GRCh37 (hg19) VCF-style: chr20-10654112-C-G.
Other names: short protein forms A23P.
Identifiers: ClinVar variation 3573156 (VCV003573156.2).
Genomic context (GRCh38, chr20:10,673,464, plus strand): 5'-GGAGGGAGAGGACGGCTGGGAGGGAGGCCCGGAGAAGGGCTCCTACCTTGGCTCGCAGGG[C>G]ACAGAGCAGGGCGAGCAGGAGGCTTAGGGGGCGCCCGGACCGGCCGCGCGTCCGTGGGGA-3'
Protein context (NP_000205.1, residues 13-33): PLSLLLALLC[Ala23Pro]LRAKVCGASG